The following is an entry in ClinVar:

ClinVar aggregate classification (germline): Uncertain significance. Review status: criteria provided, single submitter (1 of 4 stars). 2 submissions from 2 submitters: Uncertain significance (1). 1 of the submissions does not count toward it. Last evaluated 2021-08-27.

Conditions:
TH-deficient dopa-responsive dystonia. Also called: DYT-TH; Segawa syndrome, autosomal recessive; Tyrosine Hydroxylase-Deficient Dopa-Responsive Dystonia. Identifiers: Orphanet 101150, MedGen C2673535, MONDO:0011551, OMIM 605407.

Allele frequency attached by ClinVar (database versions not stated): gnomAD 0.00001; gnomAD exomes below 0.00001; TOPMed below 0.00001.
gnomAD v4.1: 7 of 1,592,932 alleles (0.00044%); highest among the groups gnomAD compares: Non-Finnish European, 0.0006%; no homozygotes.

Submissions (2):

Labcorp Genetics (formerly Invitae), Labcorp
Classification: Uncertain significance for TH-deficient dopa-responsive dystonia. Last evaluated: 2021-08-27. Review status: criteria provided, single submitter. Criteria: Invitae Variant Classification Sherloc (09022015). Collection method: clinical testing. Allele origin: germline.
Comment: This sequence change replaces glutamic acid with valine at codon 281 of the TH protein (p.Glu281Val). The glutamic acid residue is highly conserved and there is a moderate physicochemical difference between glutamic acid and valine. This variant is not present in population databases (ExAC no frequency). This missense change has been observed in individual(s) with dystonia (Invitae). Algorithms developed to predict the effect of missense changes on protein structure and function (SIFT, PolyPhen-2, Align-GVGD) all suggest that this variant is likely to be disruptive. In summary, the available evidence is currently insufficient to determine the role of this variant in disease. Therefore, it has been classified as a Variant of Uncertain Significance.

Counsyl
Classification: Uncertain significance for TH-deficient dopa-responsive dystonia. Last evaluated: 2017-05-15. Review status: no assertion criteria provided. Collection method: clinical testing. Allele origin: unknown. Not counted in ClinVar's aggregate classification.

NM_000360.4(TH):c.749A>T (p.Glu250Val)

Gene: TH (tyrosine hydroxylase; minus strand). Cytogenetic location: 11p15.5.
Variant type: single nucleotide variant.
Coding change: c.749A>T on transcript NM_000360.4 (MANE Select); coding-DNA position 749, A replaced by T.
Protein change: p.Glu250Val; replaces glutamic acid 250 with valine.
Molecular consequence: missense variant.
Genome position (GRCh38, 1-based): chr11:2,166,979, T>A on the plus strand (A>T on the coding strand, the complement: TH is on the minus strand). VCF-style: chr11-2166979-T-A. GRCh37 (hg19) VCF-style: chr11-2188209-T-A.
Other names: c.842A>T, p.Glu281Val (NM_199292.3); c.830A>T, p.Glu277Val (NM_199293.3); short protein forms E281V, E277V, E250V.
Identifiers: ClinVar variation 242257 (VCV000242257.4), dbSNP rs878855309, ClinGen allele CA10582880.